The following is an entry in ClinVar:

ClinVar aggregate classification (germline): Uncertain significance (1 of 4 stars; one submission).

Submission:

GeneDx
Classification: Uncertain significance. Last evaluated: 2021-02-08. Review status: criteria provided, single submitter. Criteria: GeneDx Variant Classification Process June 2021. Collection method: clinical testing. Allele origin: germline. Affected: yes.
Comment: Not observed in large population cohorts (Lek et al., 2016); In silico analysis supports that this missense variant does not alter protein structure/function; Has not been previously published as pathogenic or benign to our knowledge

NM_001170535.3(ATAD3A):c.721G>C (p.Val241Leu)

Gene: ATAD3A (ATPase family AAA domain containing 3A; plus strand). Cytogenetic location: 1p36.33.
Variant type: single nucleotide variant.
Coding change: c.721G>C on transcript NM_001170535.3 (MANE Select); coding-DNA position 721, G replaced by C.
Protein change: p.Val241Leu; replaces valine 241 with leucine.
Molecular consequence: missense variant.
Genome position (GRCh38, 1-based): chr1:1,520,588, G>C. VCF-style: chr1-1520588-G-C. GRCh37 (hg19) VCF-style: chr1-1455968-G-C.
Other names: c.484G>C, p.Val162Leu (NM_001170536.3); c.865G>C, p.Val289Leu (NM_018188.5); short protein forms V289L, V241L, V162L.
Identifiers: ClinVar variation 453143 (VCV000453143.4), dbSNP rs1553125725, ClinGen allele CA337854513.